The following is an entry in ClinVar:

ClinVar aggregate classification (germline): Uncertain significance (1 of 4 stars; one submission).

Conditions:
MACF1-related defects in neuronal migration and axon guidance.

Submission:

Dasa
Classification: Uncertain significance for MACF1-related defects in neuronal migration and axon guidance. Last evaluated: 2025-11-25. Review status: criteria provided, single submitter. Criteria: DASA Assertion Criteria. Collection method: clinical testing. Allele origin: germline.
Comment: NM_001397473.1(MACF1):c.3313A>G (p.Thr1105Ala) is a missense variant that results in the substitution of threonine with alanine. This variant is absent from population databases. Computational prediction algorithms are consistent with a benign effect. The currently available literature and clinical evidence are not sufficient to establish a definitive association between this variant and the reported condition. Therefore, this variant is classified as a variant of uncertain significance.

NM_001394062.1(MACF1):c.15817-8796A>G

Genes: MACF1 (microtubule actin crosslinking factor 1; plus strand), KIAA0754 (KIAA0754; plus strand). Cytogenetic location: 1p34.3.
Variant type: single nucleotide variant.
Coding change: c.15817-8796A>G on transcript NM_001394062.1 (MANE Select); 8796 bases into the intron before coding-DNA position 15817, A replaced by G.
Molecular consequence: intron variant. On other transcripts: missense variant (1).
Genome position (GRCh38, 1-based): chr1:39,413,578, A>G. VCF-style: chr1-39413578-A-G. GRCh37 (hg19) VCF-style: chr1-39879250-A-G.
Other names: c.3313A>G, p.Thr1105Ala (NM_001397473.1); c.9631-8796A>G (NM_012090.5); short protein forms T1105A.
Identifiers: ClinVar variation 4881718 (VCV004881718.2).